The following is an entry in ClinVar:

NM_001378328.1(CELSR1):c.8779+5C>G

Gene: CELSR1 (cadherin EGF LAG seven-pass G-type receptor 1; minus strand). Cytogenetic location: 22q13.31.
Variant type: single nucleotide variant.
Coding change: c.8779+5C>G on transcript NM_001378328.1 (MANE Select); 5 bases into the intron after coding-DNA position 8779, C replaced by G.
Molecular consequence: intron variant.
Genome position (GRCh38, 1-based): chr22:46,364,507, G>C on the plus strand (C>G on the coding strand, the complement: CELSR1 is on the minus strand). VCF-style: chr22-46364507-G-C. GRCh37 (hg19) VCF-style: chr22-46760404-G-C.
Other names: c.8779+5C>G (NM_014246.4).
Identifiers: ClinVar variation 4988421 (VCV004988421.1).

ClinVar aggregate classification (germline): Likely benign (1 of 4 stars; one submission).

Conditions:
CELSR1-related disorder. Also called: CELSR1-related condition.

gnomAD v4.1: 52 of 1,606,802 alleles (0.0032%); highest among the groups gnomAD compares: African/African-American, 0.027%; no homozygotes.

Submission:

PreventionGenetics, part of Exact Sciences
Classification: Likely benign for CELSR1-related condition. Last evaluated: 2025-04-24. Review status: criteria provided, single submitter. Criteria: ACMG Guidelines, 2015. Collection method: clinical testing. Allele origin: germline.
Comment: This variant is classified as likely benign based on ACMG/AMP sequence variant interpretation guidelines (Richards et al. 2015 PMID: 25741868, with internal and published modifications).